The following is an entry in ClinVar:

NM_000051.4(ATM):c.1427A>G (p.Gln476Arg)

Gene: ATM (ATM serine/threonine kinase; plus strand). Cytogenetic location: 11q22.3.
Variant type: single nucleotide variant.
Coding change: c.1427A>G on transcript NM_000051.4 (MANE Select); coding-DNA position 1427, A replaced by G.
Protein change: p.Gln476Arg; replaces glutamine 476 with arginine.
Molecular consequence: missense variant.
Genome position (GRCh38, 1-based): chr11:108,250,892, A>G. VCF-style: chr11-108250892-A-G. GRCh37 (hg19) VCF-style: chr11-108121619-A-G.
Other names: c.1427A>G, p.Gln476Arg (NM_001351834.2); short protein forms Q476R.
Identifiers: ClinVar variation 453365 (VCV000453365.16), dbSNP rs1397399631, ClinGen allele CA382534030.

ClinVar aggregate classification (germline): Conflicting classifications of pathogenicity. Review status: criteria provided, conflicting classifications (1 of 4 stars). 4 submissions from 4 submitters: Uncertain significance (3); Likely benign (1). Last evaluated 2024-11-27.

Conditions:
Hereditary cancer-predisposing syndrome. Also called: Neoplastic Syndromes, Hereditary; Hereditary Cancer Syndrome; Hereditary neoplastic syndrome; Tumor predisposition. Identifiers: Orphanet 140162, MedGen C0027672, MeSH D009386, MONDO:0015356.
Ataxia-telangiectasia syndrome (AT). Also called: Ataxia-telangiectasia, complementation group D; AT, COMPLEMENTATION GROUP C; ATAXIA-TELANGIECTASIA, COMPLEMENTATION GROUP A; ATAXIA-TELANGIECTASIA, FRESNO VARIANT; Cerebello-oculocutaneous telangiectasia; Immunodeficiency with ataxia telangiectasia. Identifiers: Orphanet 100, MedGen C0004135, MONDO:0008840, OMIM 208900.

Allele frequency attached by ClinVar (database versions not stated): gnomAD exomes below 0.00001.
gnomAD v4.1: 1 of 1,614,186 alleles (0.000062%); highest among the groups gnomAD compares: Non-Finnish European, 0.000085%; no homozygotes.

Submissions (4):

Labcorp Genetics (formerly Invitae), Labcorp
Classification: Uncertain significance for Ataxia-telangiectasia syndrome. Last evaluated: 2024-11-27. Review status: criteria provided, single submitter. Criteria: Invitae Variant Classification Sherloc (09022015). Collection method: clinical testing. Allele origin: germline.
Comment: This sequence change replaces glutamine, which is neutral and polar, with arginine, which is basic and polar, at codon 476 of the ATM protein (p.Gln476Arg). This variant is present in population databases (no rsID available, gnomAD 0.0009%). This variant has not been reported in the literature in individuals affected with ATM-related conditions. ClinVar contains an entry for this variant (Variation ID: 453365). Invitae Evidence Modeling of protein sequence and biophysical properties (such as structural, functional, and spatial information, amino acid conservation, physicochemical variation, residue mobility, and thermodynamic stability) indicates that this missense variant is not expected to disrupt ATM protein function with a negative predictive value of 95%. In summary, the available evidence is currently insufficient to determine the role of this variant in disease. Therefore, it has been classified as a Variant of Uncertain Significance.

Ambry Genetics
Classification: Likely benign for Hereditary cancer-predisposing syndrome. Last evaluated: 2024-08-06. Review status: criteria provided, single submitter. Criteria: Ambry Variant Classification Scheme 2023. Collection method: clinical testing. Allele origin: germline.

Blueprint Genetics
Classification: Uncertain significance. Last evaluated: 2024-03-13. Review status: criteria provided, single submitter. Criteria: ACMG Guidelines, 2015. Collection method: clinical testing. Allele origin: germline.

Color Diagnostics, LLC DBA Color Health
Classification: Uncertain significance for Hereditary cancer-predisposing syndrome. Last evaluated: 2023-12-05. Review status: criteria provided, single submitter. Criteria: ACMG Guidelines, 2015. Collection method: clinical testing. Allele origin: germline.
Comment: This missense variant replaces glutamine with arginine at codon 476 of the ATM protein. Computational prediction suggests that this variant may not impact protein structure and function (internally defined REVEL score threshold <= 0.5, PMID: 27666373). To our knowledge, functional studies have not been reported for this variant. This variant has not been reported in individuals affected with ATM-related disorders in the literature. This variant has been identified in 1/251388 chromosomes in the general population by the Genome Aggregation Database (gnomAD). The available evidence is insufficient to determine the role of this variant in disease conclusively. Therefore, this variant is classified as a Variant of Uncertain Significance.